The following is an entry in ClinVar:

ClinVar aggregate classification (germline): Benign/Likely benign. Review status: criteria provided, multiple submitters, no conflicts (2 of 4 stars). 4 submissions from 4 submitters: Benign (1); Likely benign (3). Last evaluated 2025-07-31.

Conditions:
Hereditary cancer-predisposing syndrome. Also called: Hereditary Cancer Syndrome; Neoplastic Syndromes, Hereditary; Hereditary neoplastic syndrome; Tumor predisposition. Identifiers: Orphanet 140162, MedGen C0027672, MeSH D009386, MONDO:0015356.
Familial cancer of breast. Also called: Hereditary breast cancer; hereditary breast carcinoma; BREAST CANCER, FAMILIAL. Identifiers: Orphanet 227535, MedGen C0346153, MONDO:0016419, OMIM 114480. Disease mechanism: loss of function.
Ataxia-telangiectasia syndrome (AT). Also called: Cerebello-oculocutaneous telangiectasia; Immunodeficiency with ataxia telangiectasia; Ataxia-telangiectasia, complementation group E; Ataxia-telangiectasia, complementation group D; AT, COMPLEMENTATION GROUP C; ATAXIA-TELANGIECTASIA, COMPLEMENTATION GROUP A. Identifiers: Orphanet 100, MedGen C0004135, MONDO:0008840, OMIM 208900.

gnomAD v4.1: 2 of 1,610,884 alleles (0.00012%); no homozygotes.

Submissions (4):

Labcorp Genetics (formerly Invitae), Labcorp
Classification: Likely benign for Ataxia-telangiectasia syndrome. Last evaluated: 2025-07-31. Review status: criteria provided, single submitter. Criteria: Invitae Variant Classification Sherloc (09022015). Collection method: clinical testing. Allele origin: germline.

Myriad Genetics, Inc.
Classification: Benign for Familial cancer of breast. Last evaluated: 2024-04-23. Review status: criteria provided, single submitter. Criteria: Myriad Autosomal Dominant, Autosomal Recessive and X-Linked Classification Criteria (2023). Collection method: clinical testing. Allele origin: unknown.
Comment: This variant is considered benign. This variant is a silent/synonymous amino acid change and it is not expected to impact splicing.

Color Diagnostics, LLC DBA Color Health
Classification: Likely benign for Hereditary cancer-predisposing syndrome. Last evaluated: 2019-03-19. Review status: criteria provided, single submitter. Criteria: ACMG Guidelines, 2015. Collection method: clinical testing. Allele origin: germline.

Ambry Genetics
Classification: Likely benign for Hereditary cancer-predisposing syndrome. Last evaluated: 2018-01-23. Review status: criteria provided, single submitter. Criteria: Ambry Variant Classification Scheme 2023. Collection method: clinical testing. Allele origin: germline.

NM_000051.4(ATM):c.876G>T (p.Pro292=)

Gene: ATM (ATM serine/threonine kinase; plus strand). Cytogenetic location: 11q22.3.
Variant type: single nucleotide variant.
Coding change: c.876G>T on transcript NM_000051.4 (MANE Select); coding-DNA position 876, G replaced by T.
Protein change: p.Pro292=; no amino-acid change (proline 292 retained).
Molecular consequence: synonymous variant.
Genome position (GRCh38, 1-based): chr11:108,245,001, G>T. VCF-style: chr11-108245001-G-T. GRCh37 (hg19) VCF-style: chr11-108115728-G-T.
Other names: c.876G>T, p.Pro292= (NM_001351834.2).
Identifiers: ClinVar variation 822722 (VCV000822722.16), dbSNP rs755860432, ClinGen allele CA476744532.